The following is an entry in ClinVar:

ClinVar aggregate classification (germline): Uncertain significance. Review status: criteria provided, multiple submitters, no conflicts (2 of 4 stars). 3 submissions from 3 submitters: Uncertain significance (3). Last evaluated 2024-11-27.

Conditions:
Acute myeloid leukemia (AML). Also called: Acute myeloid leukemia, adult; AML adult; Acute non-lymphocytic leukemia; Acute granulocytic leukemia; Leukemia, acute myelogenous, somatic; Leukemia, acute myeloid, somatic. Identifiers: Orphanet 519, MedGen C0023467, MeSH D015470, MONDO:0018874, OMIM 601626, HP:0004808. Disease mechanism: Constitutively activated FLT3.
Inborn genetic diseases. Identifiers: MedGen C0950123, MeSH D030342.

Submissions (3):

Ambry Genetics
Classification: Uncertain significance for Inborn genetic diseases. Last evaluated: 2024-11-27. Review status: criteria provided, single submitter. Criteria: Ambry Variant Classification Scheme 2023. Collection method: clinical testing. Allele origin: germline.
Comment: The p.G54S variant (also known as c.160G>A), located in coding exon 1 of the CEBPA gene, results from a G to A substitution at nucleotide position 160. The glycine at codon 54 is replaced by serine, an amino acid with similar properties. This amino acid position is conserved. In addition, this alteration is predicted to be tolerated by in silico analysis. Based on the available evidence, the clinical significance of this variant remains unclear.

Labcorp Genetics (formerly Invitae), Labcorp
Classification: Uncertain significance for Acute myeloid leukemia. Last evaluated: 2024-08-30. Review status: criteria provided, single submitter. Criteria: Invitae Variant Classification Sherloc (09022015). Collection method: clinical testing. Allele origin: germline.
Comment: This sequence change replaces glycine, which is neutral and non-polar, with serine, which is neutral and polar, at codon 54 of the CEBPA protein (p.Gly54Ser). The frequency data for this variant in the population databases is considered unreliable, as metrics indicate poor data quality at this position in the gnomAD database. This variant has not been reported in the literature in individuals affected with CEBPA-related conditions. ClinVar contains an entry for this variant (Variation ID: 1037980). Invitae Evidence Modeling of protein sequence and biophysical properties (such as structural, functional, and spatial information, amino acid conservation, physicochemical variation, residue mobility, and thermodynamic stability) indicates that this missense variant is not expected to disrupt CEBPA protein function with a negative predictive value of 80%. In summary, the available evidence is currently insufficient to determine the role of this variant in disease. Therefore, it has been classified as a Variant of Uncertain Significance.

Baylor Genetics
Classification: Uncertain significance for Acute myeloid leukemia. Last evaluated: 2024-02-09. Review status: criteria provided, single submitter. Criteria: ACMG Guidelines, 2015. Collection method: clinical testing. Allele origin: unknown.

NM_004364.5(CEBPA):c.160G>A (p.Gly54Ser)

Gene: CEBPA (CCAAT enhancer binding protein alpha; minus strand). Cytogenetic location: 19q13.11.
Variant type: single nucleotide variant.
Coding change: c.160G>A on transcript NM_004364.5 (MANE Select); coding-DNA position 160, G replaced by A.
Protein change: p.Gly54Ser; replaces glycine 54 with serine.
Molecular consequence: missense variant. On other transcripts: 5 prime UTR variant (1).
Genome position (GRCh38, 1-based): chr19:33,302,255, C>T on the plus strand (G>A on the coding strand, the complement: CEBPA is on the minus strand). VCF-style: chr19-33302255-C-T. GRCh37 (hg19) VCF-style: chr19-33793161-C-T.
Other names: c.265G>A, p.Gly89Ser (NM_001287424.2); c.118G>A, p.Gly40Ser (NM_001287435.2); c.-198G>A (NM_001285829.2); c.160G>A (NM_004364.3); short protein forms G40S, G89S, G54S.
Identifiers: ClinVar variation 1037980 (VCV001037980.11), dbSNP rs777090929, ClinGen allele CA405275556.
Genomic context (GRCh38, chr19:33,302,255, plus strand): 5'-TGAAGGCGGCCGGGTCGATGTAGGCGCTGATGTCGATGGACGTCTCGTGCTCGCAGATGC[C>T]GCCCAGCGGCTCCGGGGCGGCAGGTGGGGCGGGAGGCTGCGCGGGGCCCGCGCCCCGGGG-3'
Protein context (NP_004355.2, residues 44-64): APPAAPEPLG[Gly54Ser]ICEHETSIDI